The following is an entry in ClinVar:

ClinVar aggregate classification (germline): Uncertain significance. Review status: criteria provided, multiple submitters, no conflicts (2 of 4 stars). 3 submissions from 3 submitters: Uncertain significance (3). Last evaluated 2025-12-02.

Conditions:
Inborn genetic diseases. Identifiers: MedGen C0950123, MeSH D030342.

Allele frequency attached by ClinVar (database versions not stated): gnomAD 0.00001 and 0.00002; ExAC 0.00005; gnomAD exomes 0.00003 and 0.00006; TOPMed 0.00003.
gnomAD v4.1: 43 of 1,603,788 alleles (0.0027%); highest among the groups gnomAD compares: Middle Eastern, 0.016%; no homozygotes.

Submissions (3):

Ambry Genetics
Classification: Uncertain significance for Inborn genetic diseases. Last evaluated: 2025-12-02. Review status: criteria provided, single submitter. Criteria: Ambry Variant Classification Scheme 2023. Collection method: clinical testing. Allele origin: germline.

Labcorp Genetics (formerly Invitae), Labcorp
Classification: Uncertain significance. Last evaluated: 2025-01-06. Review status: criteria provided, single submitter. Criteria: Invitae Variant Classification Sherloc (09022015). Collection method: clinical testing. Allele origin: germline.
Comment: This sequence change replaces glycine, which is neutral and non-polar, with arginine, which is basic and polar, at codon 1783 of the MYO18B protein (p.Gly1783Arg). This variant is present in population databases (rs763419722, gnomAD 0.01%). This variant has not been reported in the literature in individuals affected with MYO18B-related conditions. ClinVar contains an entry for this variant (Variation ID: 1700314). An algorithm developed to predict the effect of missense changes on protein structure and function (PolyPhen-2) suggests that this variant is likely to be disruptive. In summary, the available evidence is currently insufficient to determine the role of this variant in disease. Therefore, it has been classified as a Variant of Uncertain Significance.

GeneDx
Classification: Uncertain significance. Last evaluated: 2023-04-07. Review status: criteria provided, single submitter. Criteria: GeneDx Variant Classification Process June 2021. Collection method: clinical testing. Allele origin: germline. Affected: yes.
Comment: In silico analysis supports that this missense variant has a deleterious effect on protein structure/function; Has not been previously published as pathogenic or benign to our knowledge

NM_032608.7(MYO18B):c.5347G>A (p.Gly1783Arg)

Gene: MYO18B (myosin XVIIIB; plus strand). Cytogenetic location: 22q12.1.
Variant type: single nucleotide variant.
Coding change: c.5347G>A on transcript NM_032608.7 (MANE Select); coding-DNA position 5347, G replaced by A.
Protein change: p.Gly1783Arg; replaces glycine 1783 with arginine.
Molecular consequence: missense variant.
Genome position (GRCh38, 1-based): chr22:25,911,033, G>A. VCF-style: chr22-25911033-G-A. GRCh37 (hg19) VCF-style: chr22-26307000-G-A.
Other names: c.5350G>A, p.Gly1784Arg (NM_001318245.2); short protein forms G1783R, G1784R.
Identifiers: ClinVar variation 1700314 (VCV001700314.7), dbSNP rs763419722, ClinGen allele CA10161141.
Genomic context (GRCh38, chr22:25,911,033, plus strand): 5'-CAAGAGTATGAAGAGAAGCAGATGGTCCTCCATGAGAAGCAAGATTTGGAAGGCTTGATC[G>A]GAACCCTCTGTGACCAGGTAAGGGGGAGACATTGGCAGACATTCAGAGGAGTATCTCAGG-3'
Protein context (NP_115997.5, residues 1773-1793): HEKQDLEGLI[Gly1783Arg]TLCDQIGHRD